The following is an entry in ClinVar:

NM_001365536.1(SCN9A):c.4243G>A (p.Ala1415Thr)

Genes: SCN1A-AS1 (SCN1A and SCN9A antisense RNA 1; plus strand), SCN9A (sodium voltage-gated channel alpha subunit 9; minus strand). Cytogenetic location: 2q24.3.
Variant type: single nucleotide variant.
Coding change: c.4243G>A on transcript NM_001365536.1 (MANE Select); coding-DNA position 4243, G replaced by A.
Protein change: p.Ala1415Thr; replaces alanine 1415 with threonine.
Molecular consequence: missense variant.
Genome position (GRCh38, 1-based): chr2:166,227,687, C>T on the plus strand (G>A on the coding strand, the complement: SCN9A is on the minus strand). VCF-style: chr2-166227687-C-T. GRCh37 (hg19) VCF-style: chr2-167084197-C-T.
Other names: c.4210G>A, p.Ala1404Thr (NM_002977.4); short protein forms A1415T, A1404T.
Identifiers: ClinVar variation 931881 (VCV000931881.3), dbSNP rs1694897566, ClinGen allele CA349062852.
Genomic context (GRCh38, chr2:166,227,687, plus strand): 5'-GCTTTTAAAAATAAAGTTTAGTGCTAAGATAATCAATACTTACATTAACAGAATCCACTG[C>T]TGCATACATAATAATCGTCCATCCCTTAAAAGTTGCCTTTAAGAATAACATTAATAGAAT-3'
Protein context (NP_001352465.1, residues 1405-1425): FKGWTIIMYA[Ala1415Thr]VDSVNVDKQP

ClinVar aggregate classification (germline): Uncertain significance (1 of 4 stars; one submission).

Conditions:
Neuropathy, hereditary sensory and autonomic, type 2A (HSAN2A). Also called: ACROOSTEOLYSIS, GIACCAI TYPE; ACROOSTEOLYSIS, NEUROGENIC; HSAN IIA; WNK1-Related HSAN2 (HSAN2A); MORVAN DISEASE; NEUROPATHY, CONGENITAL SENSORY. Identifiers: Orphanet 970, MedGen C2752089, MONDO:0024309, OMIM 201300.

Allele frequency attached by ClinVar (database versions not stated): gnomAD exomes below 0.00001.

Submission:

Centre for Mendelian Genomics, University Medical Centre Ljubljana
Classification: Uncertain significance for Neuropathy, hereditary sensory and autonomic, type 2A. Last evaluated: 2020-03-31. Review status: criteria provided, single submitter. Criteria: ACMG Guidelines, 2015. Collection method: clinical testing. Allele origin: unknown. Affected: yes.
Comment: This variant was classified as: Uncertain significance. The available evidence on this variant's pathogenicity is insufficient or conflicting. The following ACMG criteria were applied in classifying this variant: PP2,PP3.